The following is an entry in ClinVar:

ClinVar aggregate classification (germline): Likely benign (1 of 4 stars; one submission).

Submission:

CeGaT Center for Human Genetics Tuebingen
Classification: Likely benign. Last evaluated: 2026-05-01. Review status: criteria provided, single submitter. Criteria: CeGaT Center For Human Genetics Tuebingen Variant Classification Criteria Version 2. Collection method: clinical testing. Allele origin: germline. Affected: yes. Observed: 1 variant allele.
Comment: FBXO16: PM2:Supporting, BP4, BP7

NM_172366.4(FBXO16):c.189G>A (p.Glu63=)

Gene: FBXO16 (F-box protein 16; minus strand). Cytogenetic location: 8p21.1.
Variant type: single nucleotide variant.
Coding change: c.189G>A on transcript NM_172366.4 (MANE Select); coding-DNA position 189, G replaced by A.
Protein change: p.Glu63=; no amino-acid change (glutamic acid 63 retained).
Molecular consequence: synonymous variant.
Genome position (GRCh38, 1-based): chr8:28,463,765, C>T on the plus strand (G>A on the coding strand, the complement: FBXO16 is on the minus strand). VCF-style: chr8-28463765-C-T. GRCh37 (hg19) VCF-style: chr8-28321282-C-T.
Other names: c.153G>A, p.Glu51= (NM_001258211.2).
Identifiers: ClinVar variation 4873820 (VCV004873820.2).